The following is an entry in ClinVar:

NM_024339.5(THOC6):c.255C>T (p.Thr85=)

Gene: THOC6 (THO complex subunit 6; plus strand). Cytogenetic location: 16p13.3.
Variant type: single nucleotide variant.
Coding change: c.255C>T on transcript NM_024339.5 (MANE Select); coding-DNA position 255, C replaced by T.
Protein change: p.Thr85=; no amino-acid change (threonine 85 retained).
Molecular consequence: synonymous variant.
Genome position (GRCh38, 1-based): chr16:3,026,097, C>T. VCF-style: chr16-3026097-C-T. GRCh37 (hg19) VCF-style: chr16-3076098-C-T.
Other names: c.255C>T, p.Thr85= (NM_001142350.3, NM_001347704.2); c.183C>T, p.Thr61= (NM_001347703.2).
Identifiers: ClinVar variation 2646097 (VCV002646097.24), dbSNP rs765460462, ClinGen allele CA7854904.

ClinVar aggregate classification (germline): Likely benign (1 of 4 stars; one submission).

Allele frequency attached by ClinVar (database versions not stated): TOPMed 0.00002; gnomAD 0.00003; gnomAD exomes 0.00004.
gnomAD v4.1: 65 of 1,609,094 alleles (0.004%); highest among the groups gnomAD compares: South Asian, 0.033%; 1 homozygote.

Submission:

CeGaT Center for Human Genetics Tuebingen
Classification: Likely benign. Last evaluated: 2023-12-01. Review status: criteria provided, single submitter. Criteria: CeGaT Center For Human Genetics Tuebingen Variant Classification Criteria Version 2. Collection method: clinical testing. Allele origin: germline. Affected: yes. Observed: 2 variant alleles.
Comment: THOC6: BP4, BP7